The following is an entry in ClinVar:

ClinVar aggregate classification (germline): Pathogenic. Review status: criteria provided, multiple submitters, no conflicts (2 of 4 stars). 10 submissions from 10 submitters: Pathogenic (7). 3 of the submissions do not count toward it. Last evaluated 2026-01-29.

Conditions:
MYO7A-related disorder. Also called: MYO7A-related disorders.
Usher syndrome type 1 (USH1). Also called: RETINITIS PIGMENTOSA AND CONGENITAL DEAFNESS. Identifiers: Orphanet 231169, Orphanet 886, MedGen C1568247, MONDO:0010168, OMIM 276900.
Autosomal recessive nonsyndromic hearing loss 2. Also called: NEUROSENSORY NONSYNDROMIC RECESSIVE DEAFNESS 2; DEAFNESS, AUTOSOMAL RECESSIVE 2. Identifiers: Orphanet 90636, MedGen C1838701, MONDO:0010807, OMIM 600060.
Rare genetic deafness. Identifiers: Orphanet 96210, MedGen C5680250.
Usher syndrome type 1B (USH1B). Also called: Usher syndrome type IB. Identifiers: MedGen C1848638, MONDO:0700087.

Allele frequency attached by ClinVar (database versions not stated): gnomAD exomes 0.00002 and 0.00004; TOPMed 0.00003; ExAC 0.00004; gnomAD 0.00004; 1000 Genomes Project 0.00020; 1000 Genomes Project 30x 0.00031.
gnomAD v4.1: 41 of 1,613,910 alleles (0.0025%); highest among the groups gnomAD compares: Admixed American, 0.012%; no homozygotes.

Submissions (10):

Natera, Inc.
Classification: Pathogenic for Usher syndrome type 1B. Last evaluated: 2026-01-29. Review status: criteria provided, single submitter. Criteria: Natera Variant Classification Schema (03/2026). Collection method: clinical testing. Allele origin: germline.
Comment: The c.700C>T variant in MYO7A is a nonsense variant predicted to introduce a stop codon at amino acid 234. This variant is expected to result in nonsense mediated decay, truncation, or a dysfunctional protein product. This variant is rare in the general population with a frequency below the threshold expected for the associated phenotype(s). This variant has been observed in one or more individuals affected with the associated recessive disease, as either homozygous or compound heterozygous with a second variant (PMID: 22219650). Given the available evidence, this variant is classified as Pathogenic.

Labcorp Genetics (formerly Invitae), Labcorp
Classification: Pathogenic. Last evaluated: 2024-02-07. Review status: criteria provided, single submitter. Criteria: Invitae Variant Classification Sherloc (09022015). Collection method: clinical testing. Allele origin: germline.
Comment: This sequence change creates a premature translational stop signal (p.Gln234*) in the MYO7A gene. It is expected to result in an absent or disrupted protein product. Loss-of-function variants in MYO7A are known to be pathogenic (PMID: 8900236, 25404053). This variant is present in population databases (rs41298133, gnomAD 0.009%). This premature translational stop signal has been observed in individuals with autosomal recessive Usher syndrome (PMID: 22219650, 29490346). ClinVar contains an entry for this variant (Variation ID: 11848). For these reasons, this variant has been classified as Pathogenic.

GeneDx
Classification: Pathogenic. Last evaluated: 2023-12-28. Review status: criteria provided, single submitter. Criteria: GeneDx Variant Classification Process June 2021. Collection method: clinical testing. Allele origin: germline. Affected: yes.
Comment: Nonsense variant predicted to result in protein truncation or nonsense mediated decay in a gene for which loss-of-function is a known mechanism of disease; This variant is associated with the following publications: (PMID: 22344438, 25525159, 7870171, 29490346, 31456290, 27610647, 27460420, 34948090, 32747562, 22219650, 21436283, 35076463)

Blueprint Genetics
Classification: Pathogenic for MYO7A-related disorders. Last evaluated: 2021-10-12. Review status: criteria provided, single submitter. Criteria: ACMG Guidelines, 2015. Collection method: clinical testing. Allele origin: germline. Affected: yes. Observed: 4 variant alleles.

Revvity Omics, Revvity
Classification: Pathogenic. Last evaluated: 2020-11-23. Review status: criteria provided, single submitter. Criteria: ACMG Guidelines, 2015. Collection method: clinical testing. Allele origin: germline.

King Laboratory, University of Washington
Classification: Pathogenic for Autosomal recessive nonsyndromic hearing loss 2. Last evaluated: 2020-08-01. Review status: criteria provided, single submitter. Criteria: Abu Rayyan A et al. (Proc Natl Acad Sci U S A 2020). Collection method: research. Allele origin: germline. Affected: yes.
Comment: MYO7A c.700C>T, p.Q234* is homozygous in two children from 2 Palestinian families with pre-lingual hearing loss (Abu Rayyan 2020). The variant is absent from 1300 Palestinian controls and absent from gnomAD v2.1.1.

Laboratory for Molecular Medicine, Mass General Brigham Personalized Medicine
Classification: Pathogenic for Rare genetic deafness. Last evaluated: 2010-03-11. Review status: criteria provided, single submitter. Criteria: LMM Criteria. Collection method: clinical testing. Allele origin: germline. Observed: 2 variant alleles.

Sharon lab, Hadassah-Hebrew University Medical Center
Classification: Pathogenic for Usher syndrome type 1. Last evaluated: 2019-06-23. Review status: no assertion criteria provided. Collection method: research. Allele origin: inherited. Affected: yes. Not counted in ClinVar's aggregate classification.

Counsyl
Classification: Pathogenic for Usher syndrome type 1; Autosomal recessive nonsyndromic hearing loss 2. Last evaluated: 2017-09-15. Review status: no assertion criteria provided. Collection method: clinical testing. Allele origin: unknown. Not counted in ClinVar's aggregate classification.

OMIM
Classification: Pathogenic for USHER SYNDROME, TYPE IB. Last evaluated: 1995-10-10. Review status: no assertion criteria provided. Collection method: literature only. Allele origin: germline. Not counted in ClinVar's aggregate classification.

Literature cited by the submitters: PubMed 22219650 (cited by Natera, Inc. and Labcorp Genetics (formerly Invitae), Labcorp); PubMed 8900236 (cited by Labcorp Genetics (formerly Invitae), Labcorp); PubMed 25404053 (cited by Labcorp Genetics (formerly Invitae), Labcorp); PubMed 29490346 (cited by Labcorp Genetics (formerly Invitae), Labcorp); PubMed 7870171 (cited by Laboratory for Molecular Medicine, Mass General Brigham Personalized Medicine); PubMed 9002678 (cited by Laboratory for Molecular Medicine, Mass General Brigham Personalized Medicine); PubMed 21436283 (cited by Counsyl); PubMed 27610647 (cited by Counsyl); PubMed 27460420 (cited by Counsyl); PubMed 7568224 (cited by OMIM).

NM_000260.4(MYO7A):c.700C>T (p.Gln234Ter)

Gene: MYO7A (myosin VIIA; plus strand). Cytogenetic location: 11q13.5.
Variant type: single nucleotide variant.
Coding change: c.700C>T on transcript NM_000260.4 (MANE Select); coding-DNA position 700, C replaced by T.
Protein change: p.Gln234Ter; replaces glutamine 234 with a stop codon.
Molecular consequence: nonsense.
Genome position (GRCh38, 1-based): chr11:77,156,969, C>T. VCF-style: chr11-77156969-C-T. GRCh37 (hg19) VCF-style: chr11-76868015-C-T.
Other names: c.700C>T, p.Gln234Ter (NM_001127180.2); c.667C>T, p.Gln223Ter (NM_001369365.1); short protein forms Q234*, Q223*.
Identifiers: ClinVar variation 11848 (VCV000011848.26), dbSNP rs41298133, ClinGen allele CA277959.